The following is an entry in ClinVar:

NM_201525.4(ADGRG1):c.-35-8595C>T

Gene: ADGRG1 (adhesion G protein-coupled receptor G1; plus strand). Cytogenetic location: 16q21.
Variant type: single nucleotide variant.
Coding change: c.-35-8595C>T on transcript NM_201525.4 (MANE Select); 8595 bases into the intron before 35 bases upstream of the start codon, C replaced by T.
Molecular consequence: intron variant. On other transcripts: 5 prime UTR variant (17).
Genome position (GRCh38, 1-based): chr16:57,641,658, C>T. VCF-style: chr16-57641658-C-T. GRCh37 (hg19) VCF-style: chr16-57675570-C-T.
Other names: c.-86C>T (NM_001145770.3, NM_001145771.3, NM_001145772.3 and 11 more transcripts); c.-568C>T (NM_001370451.1); c.-652C>T (NM_001370453.1); c.-465C>T (NM_001370454.1); c.-35-8595C>T (NM_001370430.1, NM_001370438.1, NM_001370435.1 and 6 more transcripts); c.-517-8595C>T (NM_001290143.2); c.-518+1988C>T (NM_001290144.2).
Identifiers: ClinVar variation 884847 (VCV000884847.4), dbSNP rs151010444, ClinGen allele CA281568032.

ClinVar aggregate classification (germline): Likely benign (1 of 4 stars; one submission).

Conditions:
Bilateral frontoparietal polymicrogyria. Also called: CEREBELLAR ATAXIA WITH NEURONAL MIGRATION DEFECT; CORTICAL DYSPLASIA, COMPLEX, WITH OTHER BRAIN MALFORMATIONS 14A (BILATERAL FRONTOPARIETAL). Identifiers: Orphanet 101070, MedGen C1847352, MONDO:0011738, OMIM 606854.

Allele frequency attached by ClinVar (database versions not stated): 1000 Genomes Project 30x 0.00484; gnomAD exomes 0.00017; 1000 Genomes Project 0.00439.
gnomAD v4.1: 320 of 578,246 alleles (0.055%); highest among the groups gnomAD compares: African/African-American, 0.58%; 3 homozygotes.

Submission:

Illumina Laboratory Services, Illumina
Classification: Likely benign for Bilateral frontoparietal polymicrogyria. Last evaluated: 2018-01-12. Review status: criteria provided, single submitter. Criteria: ICSL Variant Classification Criteria 13 December 2019. Collection method: clinical testing. Allele origin: germline.
Comment: This variant was observed in the ICSL laboratory as part of a predisposition screen in an ostensibly healthy population. It had not been previously curated by ICSL or reported in the Human Gene Mutation Database (HGMD: prior to June 1st, 2018), and was therefore a candidate for classification through an automated scoring system. Utilizing variant allele frequency, disease prevalence and penetrance estimates, and inheritance mode, an automated score was calculated to assess if this variant is too frequent to cause the disease. Based on the score and internal cut-off values, a variant classified as likely benign is not then subjected to further curation. The score for this variant resulted in a classification of likely benign for this disease.